The following is an entry in ClinVar:

NM_001267550.2(TTN):c.99478G>A (p.Val33160Ile)

Genes: TTN (titin; minus strand), TTN-AS1 (TTN antisense RNA 1; plus strand). Cytogenetic location: 2q31.2.
Variant type: single nucleotide variant.
Coding change: c.99478G>A on transcript NM_001267550.2 (MANE Select); coding-DNA position 99478, G replaced by A.
Protein change: p.Val33160Ile; replaces valine 33160 with isoleucine.
Molecular consequence: missense variant.
Genome position (GRCh38, 1-based): chr2:178,537,729, C>T on the plus strand (G>A on the coding strand, the complement: TTN is on the minus strand). VCF-style: chr2-178537729-C-T. GRCh37 (hg19) VCF-style: chr2-179402456-C-T.
Other names: p.V31519I:GTA>ATA; c.94555G>A, p.Val31519Ile (NM_001256850.1); c.72283G>A, p.Val24095Ile (NM_003319.4); c.91774G>A, p.Val30592Ile (NM_133378.4); c.72658G>A, p.Val24220Ile (NM_133432.3); c.72859G>A, p.Val24287Ile (NM_133437.4); short protein forms V31519I, V33160I, V30592I, V24095I, V24220I, V24287I.
Identifiers: ClinVar variation 203048 (VCV000203048.4), dbSNP rs794729553, ClinGen allele CA311082.

ClinVar aggregate classification (germline): Uncertain significance. Review status: criteria provided, single submitter (1 of 4 stars). 3 submissions from 3 submitters: Uncertain significance (1). 2 of the submissions do not count toward it. Last evaluated 2014-06-02.

gnomAD v4.1: 4 of 1,613,756 alleles (0.00025%); highest among the groups gnomAD compares: Non-Finnish European, 0.00034%; no homozygotes.

Submissions (3):

GeneDx
Classification: Uncertain significance. Last evaluated: 2014-06-02. Review status: criteria provided, single submitter. Criteria: GeneDx Variant Classification (06012015). Collection method: clinical testing. Allele origin: germline. Affected: yes.
Comment: Missense variants in the TTN gene are considered 'unclassified' if they are not previously reported in the literature and do not have >1% frequency in the population to be considered a polymorphism. Research indicates that truncating mutations in the TTN gene are expected to account for approximately 25% of familial and 18% of sporadic idiopathic DCM; however, truncating variants in the TTN gene have been reported in approximately 3% of reported control alleles. There has been little investigation into non-truncating variants. (Herman D et al. Truncations of titin causing dilated cardiomyopathy. N Eng J Med 366:619-628, 2012) The variant is found in DCM-CRDM panel(s).

Clinical Genetics, Academic Medical Center
Classification: Uncertain significance. Review status: no assertion criteria provided. Collection method: clinical testing. Allele origin: germline. Affected: yes. Study: VKGL Data-share Consensus. Not counted in ClinVar's aggregate classification.

Diagnostic Laboratory, Department of Genetics, University Medical Center Groningen
Classification: Uncertain significance. Review status: no assertion criteria provided. Collection method: clinical testing. Allele origin: germline. Affected: yes. Study: VKGL Data-share Consensus. Not counted in ClinVar's aggregate classification.